The following is an entry in ClinVar:

ClinVar aggregate classification (germline): Uncertain significance (1 of 4 stars; one submission).

Conditions:
ALMS1-related disorder. Also called: ALMS1-related condition.

Submission:

PreventionGenetics, part of Exact Sciences
Classification: Uncertain significance for ALMS1-related condition. Last evaluated: 2025-03-20. Review status: criteria provided, single submitter. Criteria: ACMG Guidelines, 2015. Collection method: clinical testing. Allele origin: germline.
Comment: The ALMS1 c.5142A>T variant is predicted to result in the amino acid substitution p.Arg1714Ser. To our knowledge, this variant has not been reported in the literature or in a large population database (gnomAD), indicating this variant is rare. At this time, the clinical significance of this variant is uncertain due to the absence of conclusive functional and genetic evidence.

NM_001378454.1(ALMS1):c.5139A>T (p.Ser1713=)

Gene: ALMS1 (ALMS1 centrosome and basal body associated protein; plus strand). Cytogenetic location: 2p13.1.
Variant type: single nucleotide variant.
Coding change: c.5139A>T on transcript NM_001378454.1 (MANE Select); coding-DNA position 5139, A replaced by T.
Protein change: p.Ser1713=; no amino-acid change (serine 1713 retained).
Molecular consequence: synonymous variant.
Genome position (GRCh38, 1-based): chr2:73,451,666, A>T. VCF-style: chr2-73451666-A-T. GRCh37 (hg19) VCF-style: chr2-73678793-A-T.
Other names: c.5142A>T, p.Ser1714= (NM_015120.4).
Identifiers: ClinVar variation 4996173 (VCV004996173.1).
Genomic context (GRCh38, chr2:73,451,666, plus strand): 5'-TGTTCCTGGACCAGATGCCCAGAAGACTGAGACACCATCAGTATCCTCTAGTTTATACTC[A>T]TATAGAGAGAAGCCCATTGTCTTCTACCAACAGGCCCTGCCAGACAGTGAGCTAACTCAA-3'
Protein context (NP_001365383.1, residues 1703-1723): ETPSVSSSLY[Ser1713=]YREKPIVFYQ